The following is an entry in ClinVar:

ClinVar aggregate classification (germline): Uncertain significance. Review status: criteria provided, multiple submitters, no conflicts (2 of 4 stars). 2 submissions from 2 submitters: Uncertain significance (2). Last evaluated 2025-03-01.

Conditions:
Dilated cardiomyopathy 3B (CMD3B). Also called: CMD3B: DMD-Related Dilated Cardiomyopathy; CARDIOMYOPATHY, DILATED, X-LINKED; DMD-Associated Dilated Cardiomyopathy. Identifiers: Orphanet 154, MedGen C3668940, MONDO:0010542, OMIM 302045.
Duchenne muscular dystrophy (DMD). Also called: Duchenne Muscular Dystrophy (DMD); MUSCULAR DYSTROPHY, PSEUDOHYPERTROPHIC PROGRESSIVE, DUCHENNE TYPE. Identifiers: Orphanet 98896, MedGen C0013264, MONDO:0010679, OMIM 310200.

Allele frequency attached by ClinVar (database versions not stated): gnomAD 0.00001; TOPMed 0.00002.
gnomAD v4.1: 3 of 1,204,420 alleles (0.00025%); highest among the groups gnomAD compares: Non-Finnish European, 0.00034%; no homozygotes.

Submissions (2):

Labcorp Genetics (formerly Invitae), Labcorp
Classification: Uncertain significance for Duchenne muscular dystrophy. Last evaluated: 2025-03-01. Review status: criteria provided, single submitter. Criteria: Invitae Variant Classification Sherloc (09022015). Collection method: clinical testing. Allele origin: germline.
Comment: This sequence change replaces threonine, which is neutral and polar, with isoleucine, which is neutral and non-polar, at codon 1856 of the DMD protein (p.Thr1856Ile). This variant is not present in population databases (gnomAD no frequency). This variant has not been reported in the literature in individuals affected with DMD-related conditions. ClinVar contains an entry for this variant (Variation ID: 912521). Invitae Evidence Modeling of protein sequence and biophysical properties (such as structural, functional, and spatial information, amino acid conservation, physicochemical variation, residue mobility, and thermodynamic stability) indicates that this missense variant is not expected to disrupt DMD protein function with a negative predictive value of 95%. In summary, the available evidence is currently insufficient to determine the role of this variant in disease. Therefore, it has been classified as a Variant of Uncertain Significance.

Illumina Laboratory Services, Illumina
Classification: Uncertain significance for Dilated cardiomyopathy 3B. Last evaluated: 2018-01-13. Review status: criteria provided, single submitter. Criteria: ICSL Variant Classification Criteria 13 December 2019. Collection method: clinical testing. Allele origin: germline.

NM_004006.3(DMD):c.5567C>T (p.Thr1856Ile)

Gene: DMD (dystrophin; minus strand). Cytogenetic location: Xp21.1.
Variant type: single nucleotide variant.
Coding change: c.5567C>T on transcript NM_004006.3 (MANE Select); coding-DNA position 5567, C replaced by T.
Protein change: p.Thr1856Ile; replaces threonine 1856 with isoleucine.
Molecular consequence: missense variant.
Genome position (GRCh38, 1-based): chrX:32,345,962, G>A on the plus strand (C>T on the coding strand, the complement: DMD is on the minus strand). VCF-style: chrX-32345962-G-A. GRCh37 (hg19) VCF-style: chrX-32364079-G-A.
Other names: c.5543C>T, p.Thr1848Ile (NM_000109.4); c.5555C>T, p.Thr1852Ile (NM_004009.3); c.5198C>T, p.Thr1733Ile (NM_004010.3); c.1544C>T, p.Thr515Ile (NM_004011.4); c.1535C>T, p.Thr512Ile (NM_004012.4); short protein forms T1852I, T512I, T515I, T1733I, T1848I, T1856I.
Identifiers: ClinVar variation 912521 (VCV000912521.8), dbSNP rs148246460, ClinGen allele CA412667253.
Genomic context (GRCh38, chrX:32,345,962, plus strand): 5'-AAAACCACAGGCAAGGTATATTATAATTTTAGCTCTAATACCTTGAGAGCATTATGTTTT[G>A]TCTGTAACAGCTGCTGTTTTATCTTTATTTCCTCTCGCTTTCTCTCATCTGTGATTCTTT-3'
Protein context (NP_003997.2, residues 1846-1866): EIKIKQQLLQ[Thr1856Ile]KHNALKDLRS